The following is an entry in ClinVar:

ClinVar aggregate classification (germline): Pathogenic (1 of 4 stars; one submission).

Conditions:
Granulomatous disease, chronic, X-linked. Also called: CYTOCHROME b-NEGATIVE GRANULOMATOUS DISEASE, CHRONIC, X-LINKED; GRANULOMATOUS DISEASE, CHRONIC, X-LINKED, SOMATIC MOSAIC. Identifiers: Orphanet 379, MedGen C1844376, MONDO:0010600, OMIM 306400.

Submission:

Labcorp Genetics (formerly Invitae), Labcorp
Classification: Pathogenic for Granulomatous disease, chronic, X-linked. Last evaluated: 2020-09-09. Review status: criteria provided, single submitter. Criteria: Invitae Variant Classification Sherloc (09022015). Collection method: clinical testing. Allele origin: germline.
Comment: This variant is not present in population databases (ExAC no frequency). Disruption of the initiator codon has been observed in individual(s) with chronic granulomatous disease (PMID: 29560547, 11162142, 22929960). Algorithms developed to predict the effect of sequence changes on RNA splicing suggest that this variant may create or strengthen a splice site, but this prediction has not been confirmed by published transcriptional studies. This sequence change affects the initiator methionine of the CYBB mRNA. The next in-frame methionine is located at codon 65. This variant disrupts the p.Gly20 amino acid residue in CYBB. Other variant(s) that disrupt this residue have been determined to be pathogenic (PMID: 9585602, 19410294, 20729109). This suggests that this residue is clinically significant, and that variants that disrupt this residue are likely to be disease-causing. For these reasons, this variant has been classified as Pathogenic.

Literature cited by the submitters: PubMed 29560547; PubMed 11162142; PubMed 22929960; PubMed 9585602; PubMed 19410294; PubMed 20729109.

NM_000397.4(CYBB):c.3G>A (p.Met1Ile)

Gene: CYBB (cytochrome b-245 beta chain; plus strand). Cytogenetic location: Xp21.1.
Variant type: single nucleotide variant.
Coding change: c.3G>A on transcript NM_000397.4 (MANE Select); coding-DNA position 3, G replaced by A.
Protein change: p.Met1Ile; changes the start codon (methionine 1).
Molecular consequence: missense variant, initiator codon variant.
Genome position (GRCh38, 1-based): chrX:37,780,080, G>A. VCF-style: chrX-37780080-G-A. GRCh37 (hg19) VCF-style: chrX-37639333-G-A.
Other names: short protein forms M1I.
Identifiers: ClinVar variation 1076290 (VCV001076290.11), dbSNP rs2146801939, ClinGen allele CA412971898.